The following is an entry in ClinVar:

ClinVar aggregate classification (germline): Uncertain significance (1 of 4 stars; one submission).

Conditions:
Inborn genetic diseases. Identifiers: MedGen C0950123, MeSH D030342.

Submission:

Ambry Genetics
Classification: Uncertain significance for Inborn genetic diseases. Last evaluated: 2025-12-27. Review status: criteria provided, single submitter. Criteria: Ambry Variant Classification Scheme 2023. Collection method: clinical testing. Allele origin: germline.
Comment: The p.D1520N variant (also known as c.4558G>A), located in coding exon 1 of the SAMD9L gene, results from a G to A substitution at nucleotide position 4558. The aspartic acid at codon 1520 is replaced by asparagine, an amino acid with highly similar properties. This amino acid position is conserved. In addition, this alteration is predicted to be tolerated by in silico analysis. Based on the available evidence, the clinical significance of this variant remains unclear.

NM_152703.5(SAMD9L):c.4558G>A (p.Asp1520Asn)

Gene: SAMD9L (sterile alpha motif domain containing 9 like; minus strand). Cytogenetic location: 7q21.2.
Variant type: single nucleotide variant.
Coding change: c.4558G>A on transcript NM_152703.5 (MANE Select); coding-DNA position 4558, G replaced by A.
Protein change: p.Asp1520Asn; replaces aspartic acid 1520 with asparagine.
Molecular consequence: missense variant.
Genome position (GRCh38, 1-based): chr7:93,131,414, C>T on the plus strand (G>A on the coding strand, the complement: SAMD9L is on the minus strand). VCF-style: chr7-93131414-C-T. GRCh37 (hg19) VCF-style: chr7-92760727-C-T.
Other names: c.4558G>A, p.Asp1520Asn (NM_001303497.3, NM_001303498.3, NM_001303500.3 and 5 more transcripts); short protein forms D1520N.
Identifiers: ClinVar variation 4842021 (VCV004842021.1).